The following is an entry in ClinVar:

NM_017777.4(MKS1):c.580A>G (p.Asn194Asp)

Gene: MKS1 (MKS transition zone complex subunit 1; minus strand). Cytogenetic location: 17q22.
Variant type: single nucleotide variant.
Coding change: c.580A>G on transcript NM_017777.4 (MANE Select); coding-DNA position 580, A replaced by G.
Protein change: p.Asn194Asp; replaces asparagine 194 with aspartic acid.
Molecular consequence: missense variant. On other transcripts: 5 prime UTR variant (1).
Genome position (GRCh38, 1-based): chr17:58,214,323, T>C on the plus strand (A>G on the coding strand, the complement: MKS1 is on the minus strand). VCF-style: chr17-58214323-T-C. GRCh37 (hg19) VCF-style: chr17-56291684-T-C.
Other names: c.-30A>G (NM_001321268.2); c.580A>G, p.Asn194Asp (NM_001321269.2, NM_001330397.2); short protein forms N194D.
Identifiers: ClinVar variation 1508356 (VCV001508356.6), dbSNP rs759802849, ClinGen allele CA8669468.

ClinVar aggregate classification (germline): Uncertain significance. Review status: criteria provided, multiple submitters, no conflicts (2 of 4 stars). 2 submissions from 2 submitters: Uncertain significance (2). Last evaluated 2021-09-17.

Conditions:
Joubert syndrome. Also called: Familial aplasia of the vermis; JOUBERT-BOLTSHAUSER SYNDROME. Identifiers: Orphanet 475, MedGen C5979921, MONDO:0018772.
Meckel-Gruber syndrome. Also called: DYSENCEPHALIA SPLANCHNOCYSTICA; Dysencephalia splachnocystica; GRUBER SYNDROME. Identifiers: Orphanet 564, MedGen C0265215, MONDO:0018921.

Allele frequency attached by ClinVar (database versions not stated): ExAC 0.00001; gnomAD exomes 0.00001.
gnomAD v4.1: 2 of 1,614,096 alleles (0.00012%); highest among the groups gnomAD compares: Admixed American, 0.0033%; no homozygotes.

Submissions (2):

Labcorp Genetics (formerly Invitae), Labcorp
Classification: Uncertain significance for Joubert syndrome; Meckel-Gruber syndrome. Last evaluated: 2021-09-17. Review status: criteria provided, single submitter. Criteria: Invitae Variant Classification Sherloc (09022015). Collection method: clinical testing. Allele origin: germline.
Comment: This sequence change replaces asparagine with aspartic acid at codon 194 of the MKS1 protein (p.Asn194Asp). The asparagine residue is moderately conserved and there is a small physicochemical difference between asparagine and aspartic acid. This variant is present in population databases (rs759802849, ExAC 0.009%). This variant has not been reported in the literature in individuals affected with MKS1-related conditions. Advanced modeling of protein sequence and biophysical properties (such as structural, functional, and spatial information, amino acid conservation, physicochemical variation, residue mobility, and thermodynamic stability) performed at Invitae indicates that this missense variant is not expected to disrupt MKS1 protein function. In summary, the available evidence is currently insufficient to determine the role of this variant in disease. Therefore, it has been classified as a Variant of Uncertain Significance.

Blueprint Genetics
Classification: Uncertain significance. Last evaluated: 2018-12-21. Review status: criteria provided, single submitter. Criteria: ACMG Guidelines, 2015. Collection method: clinical testing. Allele origin: germline.